The following is an entry in ClinVar:

ClinVar aggregate classification (germline): Uncertain significance (1 of 4 stars; one submission).

gnomAD v4.1: 13 of 1,613,884 alleles (0.00081%); highest among the groups gnomAD compares: East Asian, 0.018%; no homozygotes.

Submission:

Labcorp Genetics (formerly Invitae), Labcorp
Classification: Uncertain significance. Last evaluated: 2025-06-11. Review status: criteria provided, single submitter. Criteria: Invitae Variant Classification Sherloc (09022015). Collection method: clinical testing. Allele origin: germline.
Comment: This sequence change falls in intron 21 of the LTBP2 gene. It does not directly change the encoded amino acid sequence of the LTBP2 protein. It affects a nucleotide within the consensus splice site. This variant is present in population databases (rs370440316, gnomAD 0.02%). This variant has not been reported in the literature in individuals affected with LTBP2-related conditions. Variants that disrupt the consensus splice site are a relatively common cause of aberrant splicing (PMID: 17576681, 9536098). Algorithms developed to predict the effect of sequence changes on RNA splicing suggest that this variant is not likely to affect RNA splicing. In summary, the available evidence is currently insufficient to determine the role of this variant in disease. Therefore, it has been classified as a Variant of Uncertain Significance.

Literature cited by the submitters: PubMed 17576681; PubMed 9536098.

NM_000428.3(LTBP2):c.3277+6C>A

Gene: LTBP2 (latent transforming growth factor beta binding protein 2; minus strand). Cytogenetic location: 14q24.3.
Variant type: single nucleotide variant.
Coding change: c.3277+6C>A on transcript NM_000428.3 (MANE Select); 6 bases into the intron after coding-DNA position 3277, C replaced by A.
Molecular consequence: intron variant.
Genome position (GRCh38, 1-based): chr14:74,509,728, G>T on the plus strand (C>A on the coding strand, the complement: LTBP2 is on the minus strand). VCF-style: chr14-74509728-G-T. GRCh37 (hg19) VCF-style: chr14-74976431-G-T.
Identifiers: ClinVar variation 4693511 (VCV004693511.1).
Genomic context (GRCh38, chr14:74,509,728, plus strand): 5'-AGTGTTCTTTGGGAGGTAAGACAGCCTATATTCTGTCCCCTTCCACCACTGCCTCCCCAG[G>T]GTTACCTTCACAGGCAGTGCCGTCTTCATTCACCCAGTACCCGTTCTCACAGGCAGAGCA-3'